The following is an entry in ClinVar:

NM_004655.4(AXIN2):c.1969G>A (p.Ala657Thr)

Gene: AXIN2 (axin 2; minus strand). Cytogenetic location: 17q24.1.
Variant type: single nucleotide variant.
Coding change: c.1969G>A on transcript NM_004655.4 (MANE Select); coding-DNA position 1969, G replaced by A.
Protein change: p.Ala657Thr; replaces alanine 657 with threonine.
Molecular consequence: missense variant.
Genome position (GRCh38, 1-based): chr17:65,536,492, C>T on the plus strand (G>A on the coding strand, the complement: AXIN2 is on the minus strand). VCF-style: chr17-65536492-C-T. GRCh37 (hg19) VCF-style: chr17-63532610-C-T.
Other names: c.1774G>A, p.Ala592Thr (NM_001363813.1); short protein forms A657T, A592T.
Identifiers: ClinVar variation 943579 (VCV000943579.17), dbSNP rs1254934681, ClinGen allele CA400676239.

ClinVar aggregate classification (germline): Uncertain significance. Review status: criteria provided, multiple submitters, no conflicts (2 of 4 stars). 5 submissions from 5 submitters: Uncertain significance (5). Last evaluated 2026-01-05.

Conditions:
Colorectal cancer. Also called: Malignant Colorectal Neoplasm; Colorectal cancer, somatic. Identifiers: MedGen C0346629, MONDO:0005575, OMIM 114500.
Hereditary cancer-predisposing syndrome. Also called: Neoplastic Syndromes, Hereditary; Hereditary Cancer Syndrome; Tumor predisposition; Hereditary neoplastic syndrome. Identifiers: Orphanet 140162, MedGen C0027672, MeSH D009386, MONDO:0015356.
Oligodontia-cancer predisposition syndrome. Also called: TOOTH AGENESIS-COLORECTAL CANCER SYNDROME. Identifiers: Orphanet 300576, MedGen C1837750, MONDO:0012075, OMIM 608615. Disease mechanism: loss of function.

Allele frequency attached by ClinVar (database versions not stated): gnomAD 0.00001; TOPMed 0.00001.

Submissions (5):

Labcorp Genetics (formerly Invitae), Labcorp
Classification: Uncertain significance for Oligodontia-cancer predisposition syndrome. Last evaluated: 2026-01-05. Review status: criteria provided, single submitter. Criteria: Invitae Variant Classification Sherloc (09022015). Collection method: clinical testing. Allele origin: germline.
Comment: This sequence change replaces alanine, which is neutral and non-polar, with threonine, which is neutral and polar, at codon 657 of the AXIN2 protein (p.Ala657Thr). This variant is not present in population databases (gnomAD no frequency). This variant has not been reported in the literature in individuals affected with AXIN2-related conditions. ClinVar contains an entry for this variant (Variation ID: 943579). Invitae Evidence Modeling of protein sequence and biophysical properties (such as structural, functional, and spatial information, amino acid conservation, physicochemical variation, residue mobility, and thermodynamic stability) indicates that this missense variant is not expected to disrupt AXIN2 protein function with a negative predictive value of 80%. In summary, the available evidence is currently insufficient to determine the role of this variant in disease. Therefore, it has been classified as a Variant of Uncertain Significance.

GeneDx
Classification: Uncertain significance. Last evaluated: 2025-01-14. Review status: criteria provided, single submitter. Criteria: GeneDx Variant Classification Process June 2021. Collection method: clinical testing. Allele origin: germline. Affected: yes.
Comment: Not observed at significant frequency in large population cohorts (gnomAD); In silico analysis indicates that this missense variant does not alter protein structure/function; Has not been previously published as pathogenic or benign to our knowledge; This variant is associated with the following publications: (PMID: 15735151)

Baylor Genetics
Classification: Uncertain significance for Colorectal cancer. Last evaluated: 2023-12-18. Review status: criteria provided, single submitter. Criteria: ACMG Guidelines, 2015. Collection method: clinical testing. Allele origin: unknown.

Ambry Genetics
Classification: Uncertain significance for Hereditary cancer-predisposing syndrome. Last evaluated: 2023-09-05. Review status: criteria provided, single submitter. Criteria: Ambry Variant Classification Scheme 2023. Collection method: clinical testing. Allele origin: germline.
Comment: The p.A657T variant (also known as c.1969G>A), located in coding exon 7 of the AXIN2 gene, results from a G to A substitution at nucleotide position 1969. The alanine at codon 657 is replaced by threonine, an amino acid with similar properties. This amino acid position is not well conserved in available vertebrate species. In addition, this alteration is predicted to be tolerated by in silico analysis. Since supporting evidence is limited at this time, the clinical significance of this alteration remains unclear.

Women's Health and Genetics/Laboratory Corporation of America, LabCorp
Classification: Uncertain significance. Last evaluated: 2023-01-06. Review status: criteria provided, single submitter. Criteria: LabCorp Variant Classification Summary - May 2015. Collection method: clinical testing. Allele origin: germline.